The following is an entry in ClinVar:

ClinVar aggregate classification (germline): Uncertain significance. Review status: criteria provided, multiple submitters, no conflicts (2 of 4 stars). 2 submissions from 2 submitters: Uncertain significance (2). Last evaluated 2026-04-13.

Conditions:
Inborn genetic diseases. Identifiers: MedGen C0950123, MeSH D030342.

Allele frequency attached by ClinVar (database versions not stated): gnomAD exomes below 0.00001; gnomAD 0.00007; TOPMed 0.00007; 1000 Genomes Project 0.00020; ExAC 0.00004; 1000 Genomes Project 30x 0.00016.
gnomAD v4.1: 17 of 1,614,014 alleles (0.0011%); highest among the groups gnomAD compares: African/African-American, 0.019%; no homozygotes.

Submissions (2):

GeneDx
Classification: Uncertain significance. Last evaluated: 2026-04-13. Review status: criteria provided, single submitter. Criteria: GeneDx Variant Classification Process June 2021. Collection method: clinical testing. Allele origin: germline.
Comment: In silico analysis supports that this missense variant has a deleterious effect on protein structure/function; Has not been previously published as pathogenic or benign to our knowledge

Ambry Genetics
Classification: Uncertain significance for Inborn genetic diseases. Last evaluated: 2021-08-17. Review status: criteria provided, single submitter. Criteria: Ambry Variant Classification Scheme 2023. Collection method: clinical testing. Allele origin: germline.

NM_004946.3(DOCK2):c.4193T>C (p.Val1398Ala)

Gene: DOCK2 (dedicator of cytokinesis 2; plus strand). Cytogenetic location: 5q35.1.
Variant type: single nucleotide variant.
Coding change: c.4193T>C on transcript NM_004946.3 (MANE Select); coding-DNA position 4193, T replaced by C.
Protein change: p.Val1398Ala; replaces valine 1398 with alanine.
Molecular consequence: missense variant. On other transcripts: non-coding transcript variant (1).
Genome position (GRCh38, 1-based): chr5:170,050,377, T>C. VCF-style: chr5-170050377-T-C. GRCh37 (hg19) VCF-style: chr5-169477381-T-C.
Other names: short protein forms V1398A.
Identifiers: ClinVar variation 2246194 (VCV002246194.3), dbSNP rs576343036, ClinGen allele CA3554454.
Genomic context (GRCh38, chr5:170,050,377, plus strand): 5'-TGATGACCCAGTTCCCCAATGCAGAGAAGATGAACACCACCTCTGCCCCGGGAGATGATG[T>C]GAAGAATGCCCCAGGCCAGTGTATCCTTGGAGAATGCCCTAGCCAAGGGGCCAGACCTGA-3'
Protein context (NP_004937.1, residues 1388-1408): MNTTSAPGDD[Val1398Ala]KNAPGQYIQC